The following is an entry in ClinVar:

ClinVar aggregate classification (germline): Pathogenic (1 of 4 stars; one submission).

Conditions:
Long chain 3-hydroxyacyl-CoA dehydrogenase deficiency. Also called: LCHAD Deficiency; Deficiency of long-chain 3-hydroxyacyl-coenzyme A dehydrogenase. Identifiers: Orphanet 5, MedGen C3711645, MONDO:0012173, OMIM 609016.
Mitochondrial trifunctional protein deficiency. Identifiers: Orphanet 746, MedGen C1969443, MONDO:0012172.

Submission:

Labcorp Genetics (formerly Invitae), Labcorp
Classification: Pathogenic for Mitochondrial trifunctional protein deficiency; Long chain 3-hydroxyacyl-CoA dehydrogenase deficiency. Last evaluated: 2023-09-05. Review status: criteria provided, single submitter. Criteria: Invitae Variant Classification Sherloc (09022015). Collection method: clinical testing. Allele origin: germline.
Comment: This variant is a gross deletion of the genomic region encompassing exon(s) 1 of the HADHA gene, which includes the initiator codon. This deletion extends beyond the assayed region for this gene and therefore may encompass additional genes. It is expected to result in an absent or disrupted protein product. Loss-of-function variants in HADHA are known to be pathogenic (PMID: 7738175, 21103935, 21549624, 22459206). This variant has not been reported in the literature in individuals affected with HADHA-related conditions. For these reasons, this variant has been classified as Pathogenic.

Literature cited by the submitters: PubMed 7738175; PubMed 21103935; PubMed 21549624; PubMed 22459206.

NC_000002.11:g.(?_26467378)_(26467464_?)del

Gene: HADHA (hydroxyacyl-CoA dehydrogenase trifunctional multienzyme complex subunit alpha; minus strand). Cytogenetic location: 2p23.3.
Variant type: Deletion.
Identifiers: ClinVar variation 1460437 (VCV001460437.10).